The following is an entry in ClinVar:

ClinVar aggregate classification (germline): Uncertain significance (1 of 4 stars; one submission).

gnomAD v4.1: 3 of 1,613,776 alleles (0.00019%); highest among the groups gnomAD compares: Admixed American, 0.0017%; no homozygotes.

Submission:

Labcorp Genetics (formerly Invitae), Labcorp
Classification: Uncertain significance. Last evaluated: 2024-12-04. Review status: criteria provided, single submitter. Criteria: Invitae Variant Classification Sherloc (09022015). Collection method: clinical testing. Allele origin: germline.
Comment: This sequence change replaces glycine, which is neutral and non-polar, with arginine, which is basic and polar, at codon 788 of the VPS13D protein (p.Gly788Arg). This variant is not present in population databases (gnomAD no frequency). This variant has not been reported in the literature in individuals affected with VPS13D-related conditions. Invitae Evidence Modeling of protein sequence and biophysical properties (such as structural, functional, and spatial information, amino acid conservation, physicochemical variation, residue mobility, and thermodynamic stability) indicates that this missense variant is not expected to disrupt VPS13D protein function with a negative predictive value of 80%. In summary, the available evidence is currently insufficient to determine the role of this variant in disease. Therefore, it has been classified as a Variant of Uncertain Significance.

NM_015378.4(VPS13D):c.2362G>A (p.Gly788Arg)

Gene: VPS13D (vacuolar protein sorting 13 homolog D; plus strand). Cytogenetic location: 1p36.22.
Variant type: single nucleotide variant.
Coding change: c.2362G>A on transcript NM_015378.4 (MANE Select); coding-DNA position 2362, G replaced by A.
Protein change: p.Gly788Arg; replaces glycine 788 with arginine.
Molecular consequence: missense variant.
Genome position (GRCh38, 1-based): chr1:12,275,950, G>A. VCF-style: chr1-12275950-G-A. GRCh37 (hg19) VCF-style: chr1-12336007-G-A.
Other names: c.2362G>A, p.Gly788Arg (NM_018156.4); short protein forms G788R.
Identifiers: ClinVar variation 3718384 (VCV003718384.2).